The following is an entry in ClinVar:

ClinVar aggregate classification (germline): Uncertain significance (1 of 4 stars; one submission).

Conditions:
Immunodeficiency, common variable, 7. Identifiers: Orphanet 1572, Orphanet 696894, MedGen C3542922, MONDO:0013862, OMIM 614699.

Submission:

Labcorp Genetics (formerly Invitae), Labcorp
Classification: Uncertain significance for Immunodeficiency, common variable, 7. Last evaluated: 2022-03-16. Review status: criteria provided, single submitter. Criteria: Invitae Variant Classification Sherloc (09022015). Collection method: clinical testing. Allele origin: germline.
Comment: In summary, the available evidence is currently insufficient to determine the role of this variant in disease. Therefore, it has been classified as a Variant of Uncertain Significance. Algorithms developed to predict the effect of missense changes on protein structure and function are either unavailable or do not agree on the potential impact of this missense change (SIFT: "Deleterious"; PolyPhen-2: "Benign"; Align-GVGD: "Class C0"). This sequence change replaces aspartic acid, which is acidic and polar, with histidine, which is basic and polar, at codon 545 of the CR2 protein (p.Asp545His). This variant is not present in population databases (gnomAD no frequency). This variant has not been reported in the literature in individuals affected with CR2-related conditions.

NM_001006658.3(CR2):c.1633G>C (p.Asp545His)

Gene: CR2 (complement C3d receptor 2; plus strand). Cytogenetic location: 1q32.2.
Variant type: single nucleotide variant.
Coding change: c.1633G>C on transcript NM_001006658.3 (MANE Select); coding-DNA position 1633, G replaced by C.
Protein change: p.Asp545His; replaces aspartic acid 545 with histidine.
Molecular consequence: missense variant.
Genome position (GRCh38, 1-based): chr1:207,472,834, G>C. VCF-style: chr1-207472834-G-C. GRCh37 (hg19) VCF-style: chr1-207646179-G-C.
Other names: c.1633G>C, p.Asp545His (NM_001877.5); short protein forms D545H.
Identifiers: ClinVar variation 2113008 (VCV002113008.4), dbSNP rs2527221782, ClinGen allele CA344533721.